The following is an entry in ClinVar:

ClinVar aggregate classification (germline): Uncertain significance. Review status: criteria provided, multiple submitters, no conflicts (2 of 4 stars). 2 submissions from 2 submitters: Uncertain significance (2). Last evaluated 2022-09-01.

Conditions:
Fanconi anemia (FA). Also called: Fanconi's anemia. Identifiers: Orphanet 84, MedGen C0015625, MeSH D005199, MONDO:0019391.

Allele frequency attached by ClinVar (database versions not stated): gnomAD exomes below 0.00001.
gnomAD v4.1: 3 of 1,197,352 alleles (0.00025%); highest among the groups gnomAD compares: Non-Finnish European, 0.00034%; no homozygotes.

Submissions (2):

CeGaT Center for Human Genetics Tuebingen
Classification: Uncertain significance. Last evaluated: 2022-09-01. Review status: criteria provided, single submitter. Criteria: CeGaT Center For Human Genetics Tuebingen Variant Classification Criteria Version 2. Collection method: clinical testing. Allele origin: germline. Affected: yes. Observed: 1 variant allele.
Comment: FANCB: PM2, BP4

Labcorp Genetics (formerly Invitae), Labcorp
Classification: Uncertain significance for Fanconi anemia. Last evaluated: 2022-06-09. Review status: criteria provided, single submitter. Criteria: Invitae Variant Classification Sherloc (09022015). Collection method: clinical testing. Allele origin: germline.
Comment: In summary, the available evidence is currently insufficient to determine the role of this variant in disease. Therefore, it has been classified as a Variant of Uncertain Significance. Algorithms developed to predict the effect of missense changes on protein structure and function (SIFT, PolyPhen-2, Align-GVGD) all suggest that this variant is likely to be tolerated. This variant has not been reported in the literature in individuals affected with FANCB-related conditions. This variant is present in population databases (no rsID available, gnomAD 0.001%). This sequence change replaces serine, which is neutral and polar, with threonine, which is neutral and polar, at codon 326 of the FANCB protein (p.Ser326Thr).

NM_001018113.3(FANCB):c.977G>C (p.Ser326Thr)

Gene: FANCB (FA complementation group B; minus strand). Cytogenetic location: Xp22.2.
Variant type: single nucleotide variant.
Coding change: c.977G>C on transcript NM_001018113.3 (MANE Select); coding-DNA position 977, G replaced by C.
Protein change: p.Ser326Thr; replaces serine 326 with threonine.
Molecular consequence: missense variant.
Genome position (GRCh38, 1-based): chrX:14,859,309, C>G on the plus strand (G>C on the coding strand, the complement: FANCB is on the minus strand). VCF-style: chrX-14859309-C-G. GRCh37 (hg19) VCF-style: chrX-14877431-C-G.
Other names: c.977G>C, p.Ser326Thr (NM_001324162.2, NM_001410764.1, NM_152633.4); short protein forms S326T.
Identifiers: ClinVar variation 2051223 (VCV002051223.28), dbSNP rs1340160141, ClinGen allele CA412443266.